The following is an entry in ClinVar:

ClinVar aggregate classification (germline): Uncertain significance (1 of 4 stars; one submission).

Conditions:
Fanconi anemia complementation group J. Also called: BRIP1-Related Fanconi Anemia. Identifiers: Orphanet 84, MedGen C1836860, MONDO:0012187, OMIM 609054.
Familial cancer of breast. Also called: BREAST CANCER, FAMILIAL; Hereditary breast cancer; hereditary breast carcinoma. Identifiers: Orphanet 227535, MedGen C0346153, MONDO:0016419, OMIM 114480. Disease mechanism: loss of function.

Submission:

Labcorp Genetics (formerly Invitae), Labcorp
Classification: Uncertain significance for Familial cancer of breast; Fanconi anemia complementation group J. Last evaluated: 2024-11-24. Review status: criteria provided, single submitter. Criteria: Invitae Variant Classification Sherloc (09022015). Collection method: clinical testing. Allele origin: germline.
Comment: This sequence change replaces serine, which is neutral and polar, with tyrosine, which is neutral and polar, at codon 2 of the BRIP1 protein (p.Ser2Tyr). This variant is not present in population databases (gnomAD no frequency). This variant has not been reported in the literature in individuals affected with BRIP1-related conditions. Invitae Evidence Modeling of protein sequence and biophysical properties (such as structural, functional, and spatial information, amino acid conservation, physicochemical variation, residue mobility, and thermodynamic stability) has been performed for this missense variant. However, the output from this modeling did not meet the statistical confidence thresholds required to predict the impact of this variant on BRIP1 protein function. Algorithms developed to predict the effect of sequence changes on RNA splicing suggest that this variant may disrupt the consensus splice site. In summary, the available evidence is currently insufficient to determine the role of this variant in disease. Therefore, it has been classified as a Variant of Uncertain Significance.

NM_032043.3(BRIP1):c.5C>A (p.Ser2Tyr)

Gene: BRIP1 (BRCA1 interacting DNA helicase 1; minus strand). Cytogenetic location: 17q23.2.
Variant type: single nucleotide variant.
Coding change: c.5C>A on transcript NM_032043.3 (MANE Select); coding-DNA position 5, C replaced by A.
Protein change: p.Ser2Tyr; replaces serine 2 with tyrosine.
Molecular consequence: missense variant.
Genome position (GRCh38, 1-based): chr17:61,861,535, G>T on the plus strand (C>A on the coding strand, the complement: BRIP1 is on the minus strand). VCF-style: chr17-61861535-G-T. GRCh37 (hg19) VCF-style: chr17-59938896-G-T.
Other names: short protein forms S2Y.
Identifiers: ClinVar variation 3759053 (VCV003759053.2).